The following is an entry in ClinVar:

ClinVar aggregate classification (germline): Conflicting classifications of pathogenicity. Review status: criteria provided, conflicting classifications (1 of 4 stars). 7 submissions from 7 submitters: Uncertain significance (3); Benign (1); Likely benign (1). 2 of the submissions do not count toward it. Last evaluated 2026-01-28.

Conditions:
Nephronophthisis. Also called: Juvenile Nephronophthisis. Identifiers: Orphanet 655, MedGen C0687120, MONDO:0019005, HP:0000090.
Retinal dystrophy. Also called: Inherited retinal dystrophy. Identifiers: Orphanet 71862, MedGen C0854723, MeSH D058499, MONDO:0019118, HP:0000556.
Nephronophthisis 1 (NPHP1). Also called: Nephronophthisis familial juvenile. Identifiers: Orphanet 655, Orphanet 93592, MedGen C1855681, MONDO:0009728, OMIM 256100.
Joubert syndrome with renal defect. Also called: JOUBERT SYNDROME 4. Identifiers: Orphanet 220497, MedGen C1846790, MONDO:0012308, OMIM 609583.
Senior-Loken syndrome 1 (SLSN1). Also called: JUVENILE NEPHRONOPHTHISIS WITH LEBER AMAUROSIS. Identifiers: Orphanet 3156, MedGen C4551559, MONDO:0009962, OMIM 266900.
NPHP1-related disorder. Also called: NPHP1-related condition; NPHP1-related disorders.

Allele frequency attached by ClinVar (database versions not stated): ESP Exome Variant Server 0.00069; TOPMed 0.00102; gnomAD 0.00121; 1000 Genomes Project 0.00140; 1000 Genomes Project 30x 0.00156.
gnomAD v4.1: 309 of 1,613,540 alleles (0.019%); highest among the groups gnomAD compares: African/African-American, 0.35%; 1 homozygote.

Submissions (7):

Labcorp Genetics (formerly Invitae), Labcorp
Classification: Likely benign for Nephronophthisis. Last evaluated: 2026-01-28. Review status: criteria provided, single submitter. Criteria: Invitae Variant Classification Sherloc (09022015). Collection method: clinical testing. Allele origin: germline.

GeneDx
Classification: Uncertain significance. Last evaluated: 2025-01-20. Review status: criteria provided, single submitter. Criteria: GeneDx Variant Classification Process June 2021. Collection method: clinical testing. Allele origin: germline. Affected: yes.
Comment: In silico analysis supports that this missense variant has a deleterious effect on protein structure/function; Has not been previously published as pathogenic or benign to our knowledge

Blueprint Genetics
Classification: Benign. Last evaluated: 2024-04-17. Review status: criteria provided, single submitter. Criteria: ACMG Guidelines, 2015. Collection method: clinical testing. Allele origin: germline.

Fulgent Genetics
Classification: Uncertain significance for Nephronophthisis 1; Senior-Loken syndrome 1; Joubert syndrome with renal defect. Last evaluated: 2018-10-31. Review status: criteria provided, single submitter. Criteria: ACMG Guidelines, 2015. Collection method: clinical testing. Allele origin: unknown.

Eurofins Ntd Llc (ga)
Classification: Uncertain significance. Last evaluated: 2017-10-20. Review status: criteria provided, single submitter. Criteria: EGL Classification Definitions 2015. Collection method: clinical testing. Allele origin: germline. Observed: 10 variant alleles, 9 heterozygotes, 1 homozygote.

Institute of Human Genetics, Univ. Regensburg, Univ. Regensburg
Classification: Uncertain significance for Retinal dystrophy. Last evaluated: 2023-01-01. Review status: no assertion criteria provided. Criteria: ACMG Guidelines, 2015. Collection method: clinical testing. Allele origin: germline. Affected: yes. Not counted in ClinVar's aggregate classification.

PreventionGenetics, part of Exact Sciences
Classification: Likely benign for NPHP1-related condition. Last evaluated: 2022-02-03. Review status: no assertion criteria provided. Collection method: clinical testing. Allele origin: germline. Not counted in ClinVar's aggregate classification.
Comment: This variant is classified as likely benign based on ACMG/AMP sequence variant interpretation guidelines (Richards et al. 2015 PMID: 25741868, with internal and published modifications).

NM_001128178.3(NPHP1):c.803T>C (p.Met268Thr)

Gene: NPHP1 (nephrocystin 1; minus strand). Cytogenetic location: 2q13.
Variant type: single nucleotide variant.
Coding change: c.803T>C on transcript NM_001128178.3 (MANE Select); coding-DNA position 803, T replaced by C.
Protein change: p.Met268Thr; replaces methionine 268 with threonine.
Molecular consequence: missense variant.
Genome position (GRCh38, 1-based): chr2:110,163,104, A>G on the plus strand (T>C on the coding strand, the complement: NPHP1 is on the minus strand). VCF-style: chr2-110163104-A-G. GRCh37 (hg19) VCF-style: chr2-110920681-A-G.
Other names: c.971T>C, p.Met324Thr (NM_000272.5); c.614T>C, p.Met205Thr (NM_001128179.3); c.800T>C, p.Met267Thr (NM_001374256.1); c.803T>C, p.Met268Thr (NM_001374257.1); c.968T>C, p.Met323Thr (NM_207181.4); short protein forms M324T, M268T, M205T, M323T, M267T.
Identifiers: ClinVar variation 288369 (VCV000288369.23), dbSNP rs114250691, ClinGen allele CA1827217.